The following is an entry in ClinVar:

NM_000245.4(MET):c.2457C>A (p.Ala819=)

Gene: MET (MET proto-oncogene, receptor tyrosine kinase; plus strand). Cytogenetic location: 7q31.2.
Variant type: single nucleotide variant.
Coding change: c.2457C>A on transcript NM_000245.4 (MANE Select); coding-DNA position 2457, C replaced by A.
Protein change: p.Ala819=; no amino-acid change (alanine 819 retained).
Molecular consequence: synonymous variant.
Genome position (GRCh38, 1-based): chr7:116,763,142, C>A. VCF-style: chr7-116763142-C-A. GRCh37 (hg19) VCF-style: chr7-116403196-C-A.
Other names: c.2511C>A, p.Ala837= (NM_001127500.3); c.2457C>A, p.Ala819= (NM_001324401.3); c.1167C>A, p.Ala389= (NM_001324402.2).
Identifiers: ClinVar variation 743411 (VCV000743411.12), dbSNP rs746040712, ClinGen allele CA457441160.

ClinVar aggregate classification (germline): Benign/Likely benign. Review status: criteria provided, multiple submitters, no conflicts (2 of 4 stars). 3 submissions from 3 submitters: Benign (1); Likely benign (2). Last evaluated 2025-06-22.

Conditions:
Papillary renal cell carcinoma type 1 (RCCP1). Also called: RENAL CELL CARCINOMA, PAPILLARY, 1, SOMATIC; Renal adenocarcinoma; Renal cell carcinoma 1; Renal cell carcinoma, somatic. Identifiers: Orphanet 47044, MedGen C1336839, OMIM 605074, HP:0011797.
Renal cell carcinoma. Identifiers: Orphanet 217071, MedGen C0007134, MeSH D002292, MONDO:0005086, HP:0005584.
Hereditary cancer-predisposing syndrome. Also called: Neoplastic Syndromes, Hereditary; Hereditary Cancer Syndrome; Tumor predisposition; Hereditary neoplastic syndrome. Identifiers: Orphanet 140162, MedGen C0027672, MeSH D009386, MONDO:0015356.

Submissions (3):

Labcorp Genetics (formerly Invitae), Labcorp
Classification: Likely benign for Renal cell carcinoma. Last evaluated: 2025-06-22. Review status: criteria provided, single submitter. Criteria: Invitae Variant Classification Sherloc (09022015). Collection method: clinical testing. Allele origin: germline.

Myriad Genetics, Inc.
Classification: Benign for Papillary renal cell carcinoma type 1. Last evaluated: 2024-11-11. Review status: criteria provided, single submitter. Criteria: Myriad Autosomal Dominant, Autosomal Recessive and X-Linked Classification Criteria (2023). Collection method: clinical testing. Allele origin: unknown.
Comment: This variant is considered benign. This variant is a silent/synonymous amino acid change and it is not expected to impact splicing.

Ambry Genetics
Classification: Likely benign for Hereditary cancer-predisposing syndrome. Last evaluated: 2021-10-02. Review status: criteria provided, single submitter. Criteria: Ambry Variant Classification Scheme 2023. Collection method: clinical testing. Allele origin: germline.